The following is an entry in ClinVar:

NM_201384.3(PLEC):c.7607_7608insTGA (p.Arg2536_Gln2537insGlu)

Gene: PLEC (plectin; minus strand). Cytogenetic location: 8q24.3.
Variant type: Insertion.
Coding change: c.7607_7608insTGA on transcript NM_201384.3 (MANE Select); coding-DNA positions 7607 to 7608, TGA inserted.
Protein change: p.Arg2536_Gln2537insGlu.
Molecular consequence: inframe insertion.
Genome position: GRCh38 VCF-style: chr8-143922213-C-CTCA. GRCh37 (hg19) VCF-style: chr8-144996381-C-CTCA.
Other names: c.7688_7689insTGA, p.Arg2563_Gln2564insGlu (NM_000445.5); c.7565_7566insTGA, p.Arg2522_Gln2523insGlu (NM_201378.4); c.7541_7542insTGA, p.Arg2514_Gln2515insGlu (NM_201379.3); c.8018_8019insTGA, p.Arg2673_Gln2674insGlu (NM_201380.4); c.7511_7512insTGA, p.Arg2504_Gln2505insGlu (NM_201381.3); c.7607_7608insTGA, p.Arg2536_Gln2537insGlu (NM_201382.4); c.7619_7620insTGA, p.Arg2540_Gln2541insGlu (NM_201383.3).
Identifiers: ClinVar variation 1433255 (VCV001433255.8), dbSNP rs1178939932, ClinGen allele CA586158233.
Genomic context (GRCh38, chr8:143,922,213, plus strand): 5'-CCGCGCCTCCTCCATGCTGGCCACCAGCCGCTGCCGTTCCTGCTCCATCTGCTGCTGCTG[C>CTCA]CGCTGCTGCTCCTCACGCAGCTGCTGTGCCTTGGCCACCTCGTCCTGGAAGAGCTGCTCC-3'

ClinVar aggregate classification (germline): Uncertain significance (1 of 4 stars; one submission).

Conditions:
Epidermolysis bullosa simplex 5B, with muscular dystrophy (EBS5B). Also called: EPIDERMOLYSIS BULLOSA SIMPLEX AND LIMB-GIRDLE MUSCULAR DYSTROPHY; Epidermolysis bullosa simplex with muscular dystrophy. Identifiers: Orphanet 257, MedGen C2931072, MONDO:0009181, OMIM 226670.
Epidermolysis bullosa simplex 5C, with pyloric atresia (EBS5C). Also called: Epidermolysis bullosa simplex with pyloric atresia; PLEC-Related Epidermolysis Bullosa with Pyloric Atresia; PLEC1-Related Epidermolysis Bullosa with Pyloric Atresia. Identifiers: Orphanet 158684, MedGen C2677349, MONDO:0012807, OMIM 612138.
Autosomal recessive limb-girdle muscular dystrophy type 2Q (LGMDR17). Also called: MUSCULAR DYSTROPHY, LIMB-GIRDLE, AUTOSOMAL RECESSIVE 17. Identifiers: Orphanet 254361, MedGen C3150989, MONDO:0013390, OMIM 613723.
Epidermolysis bullosa simplex with nail dystrophy (EBS5D). Identifiers: MedGen C4225309, MONDO:0014661, OMIM 616487.
Epidermolysis bullosa simplex, Ogna type (EBS5A). Also called: Pidermolysis bullosa simplex 5A, Ogna type; EPIDERMOLYSIS BULLOSA SIMPLEX 5A, OGNA TYPE. Identifiers: Orphanet 79401, MedGen C0432317, MONDO:0007555, OMIM 131950.

Allele frequency attached by ClinVar (database versions not stated): gnomAD exomes below 0.00001; gnomAD 0.00001; TOPMed 0.00001.

Submission:

Labcorp Genetics (formerly Invitae), Labcorp
Classification: Uncertain significance for Autosomal recessive limb-girdle muscular dystrophy type 2Q; Epidermolysis bullosa simplex, Ogna type; Epidermolysis bullosa simplex with nail dystrophy; Epidermolysis bullosa simplex 5C, with pyloric atresia; Epidermolysis bullosa simplex 5B, with muscular dystrophy. Last evaluated: 2021-07-12. Review status: criteria provided, single submitter. Criteria: Invitae Variant Classification Sherloc (09022015). Collection method: clinical testing. Allele origin: germline.
Comment: In summary, the available evidence is currently insufficient to determine the role of this variant in disease. Therefore, it has been classified as a Variant of Uncertain Significance. Algorithms developed to predict the effect of sequence changes on RNA splicing suggest that this variant may create or strengthen a splice site. This variant has not been reported in the literature in individuals affected with PLEC-related conditions. This variant is not present in population databases (ExAC no frequency). This variant, c.7688_7689insTGA, results in the insertion of 1 amino acid(s) to the PLEC protein (p.Arg2563_Gln2564insGlu), but otherwise preserves the integrity of the reading frame.